The following is an entry in ClinVar:

ClinVar aggregate classification (germline): Benign/Likely benign. Review status: criteria provided, multiple submitters, no conflicts (2 of 4 stars). 5 submissions from 5 submitters: Benign (1); Likely benign (3). 1 of the submissions does not count toward it. Last evaluated 2025-12-24.

Conditions:
RASA2-related disorder. Also called: RASA2-related condition.

Allele frequency attached by ClinVar (database versions not stated): TOPMed 0.00005; ESP Exome Variant Server 0.00008; gnomAD exomes 0.00012; 1000 Genomes Project 30x 0.00016; 1000 Genomes Project 0.00020; ExAC 0.00021.
gnomAD v4.1: 183 of 1,588,896 alleles (0.012%); highest among the groups gnomAD compares: South Asian, 0.098%; 2 homozygotes.

Submissions (5):

Labcorp Genetics (formerly Invitae), Labcorp
Classification: Likely benign. Last evaluated: 2025-12-24. Review status: criteria provided, single submitter. Criteria: Invitae Variant Classification Sherloc (09022015). Collection method: clinical testing. Allele origin: germline.

Blueprint Genetics
Classification: Likely benign. Last evaluated: 2024-10-08. Review status: criteria provided, single submitter. Criteria: ACMG Guidelines, 2015. Collection method: clinical testing. Allele origin: germline.

Ambry Genetics
Classification: Likely benign. Last evaluated: 2022-07-06. Review status: criteria provided, single submitter. Criteria: Ambry Variant Classification Scheme 2023. Collection method: clinical testing. Allele origin: germline.

Women's Health and Genetics/Laboratory Corporation of America, LabCorp
Classification: Benign. Last evaluated: 2019-08-24. Review status: criteria provided, single submitter. Criteria: LabCorp Variant Classification Summary - May 2015. Collection method: clinical testing. Allele origin: germline.

PreventionGenetics, part of Exact Sciences
Classification: Likely benign for RASA2-related condition. Last evaluated: 2024-09-04. Review status: no assertion criteria provided. Collection method: clinical testing. Allele origin: germline. Not counted in ClinVar's aggregate classification.
Comment: This variant is classified as likely benign based on ACMG/AMP sequence variant interpretation guidelines (Richards et al. 2015 PMID: 25741868, with internal and published modifications).

NM_006506.5(RASA2):c.1422C>T (p.Cys474=)

Gene: RASA2 (RAS p21 protein activator 2; plus strand). Cytogenetic location: 3q23.
Variant type: single nucleotide variant.
Coding change: c.1422C>T on transcript NM_006506.5 (MANE Select); coding-DNA position 1422, C replaced by T.
Protein change: p.Cys474=; no amino-acid change (cysteine 474 retained).
Molecular consequence: synonymous variant.
Genome position (GRCh38, 1-based): chr3:141,574,006, C>T. VCF-style: chr3-141574006-C-T. GRCh37 (hg19) VCF-style: chr3-141292848-C-T.
Other names: c.1422C>T, p.Cys474= (NM_001303245.3, NM_001303246.3); c.1422C>T (NM_001303246.1).
Identifiers: ClinVar variation 929176 (VCV000929176.13), dbSNP rs137996961, ClinGen allele CA2645503.
Genomic context (GRCh38, chr3:141,574,006, plus strand): 5'-GAATCTGCGCTACTATGTAGACAAGTTATTCAATACAATTGTAAAATCAAGTATGAGCTG[C>T]CCCACTGTAATGTGTGATATCTTTTATTCTCTAAGGCAGATGGCTACTCAGAGATTTCCT-3'
Protein context (NP_006497.2, residues 464-484): FNTIVKSSMS[Cys474=]PTVMCDIFYS